The following is an entry in ClinVar:

NM_001605.3(AARS1):c.2288C>T (p.Ala763Val)

Gene: AARS1 (alanyl-tRNA synthetase 1; minus strand). Cytogenetic location: 16q22.1.
Variant type: single nucleotide variant.
Coding change: c.2288C>T on transcript NM_001605.3 (MANE Select); coding-DNA position 2288, C replaced by T.
Protein change: p.Ala763Val; replaces alanine 763 with valine.
Molecular consequence: missense variant.
Genome position (GRCh38, 1-based): chr16:70,254,733, G>A on the plus strand (C>T on the coding strand, the complement: AARS1 is on the minus strand). VCF-style: chr16-70254733-G-A. GRCh37 (hg19) VCF-style: chr16-70288636-G-A.
Other names: c.2288C>T (NM_001605.2); short protein forms A763V.
Identifiers: ClinVar variation 1682143 (VCV001682143.9), dbSNP rs777776042, ClinGen allele CA8140469.

ClinVar aggregate classification (germline): Uncertain significance. Review status: criteria provided, multiple submitters, no conflicts (2 of 4 stars). 2 submissions from 2 submitters: Uncertain significance (2). Last evaluated 2025-08-28.

Conditions:
Inborn genetic diseases. Identifiers: MedGen C0950123, MeSH D030342.
Charcot-Marie-Tooth disease type 2. Also called: Charcot-Marie-Tooth type 2. Identifiers: Orphanet 64746, MedGen C0270914, MONDO:0018993.

Allele frequency attached by ClinVar (database versions not stated): gnomAD 0.00001; ExAC 0.00001; gnomAD exomes 0.00002; TOPMed 0.00002.
gnomAD v4.1: 24 of 1,605,246 alleles (0.0015%); highest among the groups gnomAD compares: Non-Finnish European, 0.0019%; no homozygotes.

Submissions (2):

Ambry Genetics
Classification: Uncertain significance for Inborn genetic diseases. Last evaluated: 2025-08-28. Review status: criteria provided, single submitter. Criteria: Ambry Variant Classification Scheme 2023. Collection method: clinical testing. Allele origin: germline.

Labcorp Genetics (formerly Invitae), Labcorp
Classification: Uncertain significance for Charcot-Marie-Tooth disease type 2. Last evaluated: 2024-09-24. Review status: criteria provided, single submitter. Criteria: Invitae Variant Classification Sherloc (09022015). Collection method: clinical testing. Allele origin: germline.
Comment: This sequence change replaces alanine, which is neutral and non-polar, with valine, which is neutral and non-polar, at codon 763 of the AARS protein (p.Ala763Val). This variant is present in population databases (rs777776042, gnomAD 0.003%). This variant has not been reported in the literature in individuals affected with AARS-related conditions. ClinVar contains an entry for this variant (Variation ID: 1682143). An algorithm developed to predict the effect of missense changes on protein structure and function (PolyPhen-2) suggests that this variant is likely to be tolerated. In summary, the available evidence is currently insufficient to determine the role of this variant in disease. Therefore, it has been classified as a Variant of Uncertain Significance.